The following is an entry in ClinVar:

ClinVar aggregate classification (germline): Uncertain significance (1 of 4 stars; one submission).

Conditions:
Familial infantile myasthenia (CMS6). Also called: MYASTHENIC SYNDROME, CONGENITAL, 6, PRESYNAPTIC; Congenital myasthenic syndrome type 6; MYASTHENIC SYNDROME, PRESYNAPTIC, CONGENITAL, ASSOCIATED WITH EPISODIC APNEA. Identifiers: Orphanet 590, MedGen C0393929, MONDO:0009689, OMIM 254210.

Allele frequency attached by ClinVar (database versions not stated): gnomAD exomes below 0.00001; gnomAD 0.00001; TOPMed 0.00001.

Submission:

Labcorp Genetics (formerly Invitae), Labcorp
Classification: Uncertain significance for Familial infantile myasthenia. Last evaluated: 2021-09-29. Review status: criteria provided, single submitter. Criteria: Invitae Variant Classification Sherloc (09022015). Collection method: clinical testing. Allele origin: germline.
Comment: This sequence change replaces serine with phenylalanine at codon 240 of the CHAT protein (p.Ser240Phe). The serine residue is moderately conserved and there is a large physicochemical difference between serine and phenylalanine. This variant is not present in population databases (ExAC no frequency). This variant has not been reported in the literature in individuals affected with CHAT-related conditions. Algorithms developed to predict the effect of missense changes on protein structure and function are either unavailable or do not agree on the potential impact of this missense change (SIFT: "Deleterious"; PolyPhen-2: "Probably Damaging"; Align-GVGD: "Class C0"). In summary, the available evidence is currently insufficient to determine the role of this variant in disease. Therefore, it has been classified as a Variant of Uncertain Significance.

NM_020549.5(CHAT):c.719C>T (p.Ser240Phe)

Gene: CHAT (choline O-acetyltransferase; plus strand). Cytogenetic location: 10q11.23.
Variant type: single nucleotide variant.
Coding change: c.719C>T on transcript NM_020549.5 (MANE Select); coding-DNA position 719, C replaced by T.
Protein change: p.Ser240Phe; replaces serine 240 with phenylalanine.
Molecular consequence: missense variant.
Genome position (GRCh38, 1-based): chr10:49,622,117, C>T. VCF-style: chr10-49622117-C-T. GRCh37 (hg19) VCF-style: chr10-50830163-C-T.
Other names: c.365C>T, p.Ser122Phe (NM_001142929.2, NM_001142934.2, NM_020984.4 and 2 more transcripts); c.473C>T, p.Ser158Phe (NM_001142933.2); short protein forms S122F, S158F, S240F.
Identifiers: ClinVar variation 863804 (VCV000863804.5), dbSNP rs1269023544, ClinGen allele CA376728746.